The following is an entry in ClinVar:

ClinVar aggregate classification (germline): Uncertain significance (1 of 4 stars; one submission).

Submission:

Labcorp Genetics (formerly Invitae), Labcorp
Classification: Uncertain significance. Last evaluated: 2022-03-03. Review status: criteria provided, single submitter. Criteria: Invitae Variant Classification Sherloc (09022015). Collection method: clinical testing. Allele origin: germline.
Comment: The COL18A1 gene has multiple clinically relevant transcripts. This variant occurs in alternate transcript NM_030582.3, and corresponds to NM_130445.2:c.107-12233C>T in the primary transcript. In summary, the available evidence is currently insufficient to determine the role of this variant in disease. Therefore, it has been classified as a Variant of Uncertain Significance. Experimental studies and prediction algorithms are not available or were not evaluated, and the functional significance of this variant is currently unknown. This variant has not been reported in the literature in individuals affected with COL18A1-related conditions. This variant is not present in population databases (gnomAD no frequency). This sequence change replaces threonine, which is neutral and polar, with isoleucine, which is neutral and non-polar, at codon 160 of the COL18A1 protein (p.Thr160Ile).

NM_001379500.1(COL18A1):c.107-12233C>T

Gene: COL18A1 (collagen type XVIII alpha 1 chain; plus strand). Cytogenetic location: 21q22.3.
Variant type: single nucleotide variant.
Coding change: c.107-12233C>T on transcript NM_001379500.1 (MANE Select); 12233 bases into the intron before coding-DNA position 107, C replaced by T.
Molecular consequence: intron variant. On other transcripts: missense variant (2).
Genome position (GRCh38, 1-based): chr21:45,456,009, C>T. VCF-style: chr21-45456009-C-T. GRCh37 (hg19) VCF-style: chr21-46875923-C-T.
Other names: c.479C>T, p.Thr160Ile (NM_030582.4, NM_130444.3); short protein forms T160I.
Identifiers: ClinVar variation 1367481 (VCV001367481.6), dbSNP rs1394047766, ClinGen allele CA410506200.
Genomic context (GRCh38, chr21:45,456,009, plus strand): 5'-CGGAAACCCTGGTCCTGGAGACTCCTGTGGGCCCCCTTGCCCTCGCTGGGCCTTCCAGCA[C>T]CCCCCAGGAGAATGGGACCACTCTCTGGCCCAGCCGTGGCATTCCTAGCTCTCCGGGCGC-3'